The following is an entry in ClinVar:

ClinVar aggregate classification (germline): Uncertain significance. Review status: criteria provided, multiple submitters, no conflicts (2 of 4 stars). 2 submissions from 2 submitters: Uncertain significance (2). Last evaluated 2024-11-12.

Conditions:
Inborn genetic diseases. Identifiers: MedGen C0950123, MeSH D030342.

Allele frequency attached by ClinVar (database versions not stated): gnomAD exomes 0.00002 and 0.00004; ExAC 0.00003; gnomAD 0.00003 and 0.00004; TOPMed 0.00003.
gnomAD v4.1: 44 of 1,613,896 alleles (0.0027%); highest among the groups gnomAD compares: Middle Eastern, 0.033%; no homozygotes.

Submissions (2):

Ambry Genetics
Classification: Uncertain significance for Inborn genetic diseases. Last evaluated: 2024-11-12. Review status: criteria provided, single submitter. Criteria: Ambry Variant Classification Scheme 2023. Collection method: clinical testing. Allele origin: germline.

Labcorp Genetics (formerly Invitae), Labcorp
Classification: Uncertain significance. Last evaluated: 2024-10-14. Review status: criteria provided, single submitter. Criteria: Invitae Variant Classification Sherloc (09022015). Collection method: clinical testing. Allele origin: germline.
Comment: This sequence change replaces arginine, which is basic and polar, with tryptophan, which is neutral and slightly polar, at codon 312 of the MRPL44 protein (p.Arg312Trp). This variant is present in population databases (rs774482943, gnomAD 0.01%). This variant has not been reported in the literature in individuals affected with MRPL44-related conditions. ClinVar contains an entry for this variant (Variation ID: 1488812). An algorithm developed to predict the effect of missense changes on protein structure and function (PolyPhen-2) suggests that this variant is likely to be disruptive. In summary, the available evidence is currently insufficient to determine the role of this variant in disease. Therefore, it has been classified as a Variant of Uncertain Significance.

NM_022915.5(MRPL44):c.934C>T (p.Arg312Trp)

Gene: MRPL44 (mitochondrial ribosomal protein L44; plus strand). Cytogenetic location: 2q36.1.
Variant type: single nucleotide variant.
Coding change: c.934C>T on transcript NM_022915.5 (MANE Select); coding-DNA position 934, C replaced by T.
Protein change: p.Arg312Trp; replaces arginine 312 with tryptophan.
Molecular consequence: missense variant.
Genome position (GRCh38, 1-based): chr2:223,966,969, C>T. VCF-style: chr2-223966969-C-T. GRCh37 (hg19) VCF-style: chr2-224831686-C-T.
Other names: c.934C>T (NM_022915.3); short protein forms R312W.
Identifiers: ClinVar variation 1488812 (VCV001488812.7), dbSNP rs774482943, ClinGen allele CA2139156.